The following is an entry in ClinVar:

NC_000017.11:g.(?_61776391)_(61808767_?)del

Gene: BRIP1 (BRCA1 interacting DNA helicase 1; minus strand). Cytogenetic location: 17q23.2.
Variant type: Deletion.
Identifiers: ClinVar variation 833499 (VCV000833499.3).

ClinVar aggregate classification (germline): Pathogenic (1 of 4 stars; one submission).

Conditions:
Familial cancer of breast. Also called: BREAST CANCER, FAMILIAL; hereditary breast carcinoma; Hereditary breast cancer. Identifiers: Orphanet 227535, MedGen C0346153, MONDO:0016419, OMIM 114480. Disease mechanism: loss of function.
Fanconi anemia complementation group J. Also called: BRIP1-Related Fanconi Anemia. Identifiers: Orphanet 84, MedGen C1836860, MONDO:0012187, OMIM 609054.

Submission:

Labcorp Genetics (formerly Invitae), Labcorp
Classification: Pathogenic for Familial cancer of breast; Fanconi anemia complementation group J. Last evaluated: 2022-10-11. Review status: criteria provided, single submitter. Criteria: Invitae Variant Classification Sherloc (09022015). Collection method: clinical testing. Allele origin: germline.
Comment: This variant is a gross deletion of the genomic region encompassing exon(s) 7-14 of the BRIP1 gene. This variant would be expected to be in-frame, preserving the integrity of the reading frame. This variant has not been reported in the literature in individuals affected with BRIP1-related conditions. This variant disrupts a region of the BRIP1 protein in which other variant(s) (Deletion (Exon 8)) have been determined to be pathogenic (Invitae). This suggests that this is a clinically significant region of the protein, and that variants that disrupt it are likely to be disease-causing. For these reasons, this variant has been classified as Pathogenic.